The following is an entry in ClinVar:

NM_031892.3(SH3KBP1):c.1657C>T (p.Pro553Ser)

Gene: SH3KBP1 (SH3 domain containing kinase binding protein 1; minus strand). Cytogenetic location: Xp22.12.
Variant type: single nucleotide variant.
Coding change: c.1657C>T on transcript NM_031892.3 (MANE Select); coding-DNA position 1657, C replaced by T.
Protein change: p.Pro553Ser; replaces proline 553 with serine.
Molecular consequence: missense variant.
Genome position (GRCh38, 1-based): chrX:19,542,160, G>A on the plus strand (C>T on the coding strand, the complement: SH3KBP1 is on the minus strand). VCF-style: chrX-19542160-G-A. GRCh37 (hg19) VCF-style: chrX-19560278-G-A.
Other names: c.1546C>T, p.Pro516Ser (NM_001024666.3); c.943C>T, p.Pro315Ser (NM_001184960.2); c.1528C>T, p.Pro510Ser (NM_001353890.2); c.1732C>T, p.Pro578Ser (NM_001353891.2); c.1603C>T, p.Pro535Ser (NM_001353892.2); c.1555C>T, p.Pro519Ser (NM_001353893.2); c.1426C>T, p.Pro476Ser (NM_001353894.2); c.1483C>T, p.Pro495Ser (NM_001353895.2); and 1 more; short protein forms P272S, P315S, P476S, P495S, P510S, P516S, P519S, P535S.
Identifiers: ClinVar variation 1020902 (VCV001020902.8), dbSNP rs2064933101, ClinGen allele CA412496092.
Genomic context (GRCh38, chrX:19,542,160, plus strand): 5'-GGGAGGGCGCCGCTGAGGACAGAGGGGCTGGCCCACCGCCACCTGCTGCCATGGTCCCCG[G>A]CTTGGGCGGCAGGGATGCTTTGTTGTCAGACACCTGTGACGAGGGAAGGCAGGGAGGGTT-3'
Protein context (NP_114098.1, residues 543-563): SDNKASLPPK[Pro553Ser]GTMAAGGGGP

ClinVar aggregate classification (germline): Uncertain significance (1 of 4 stars; one submission).

Submission:

Labcorp Genetics (formerly Invitae), Labcorp
Classification: Uncertain significance. Last evaluated: 2020-10-15. Review status: criteria provided, single submitter. Criteria: Invitae Variant Classification Sherloc (09022015). Collection method: clinical testing. Allele origin: germline.
Comment: This sequence change replaces proline with serine at codon 553 of the SH3KBP1 protein (p.Pro553Ser). The proline residue is highly conserved and there is a moderate physicochemical difference between proline and serine. This variant is not present in population databases (ExAC no frequency). This variant has not been reported in the literature in individuals with SH3KBP1-related conditions. Algorithms developed to predict the effect of missense changes on protein structure and function are either unavailable or do not agree on the potential impact of this missense change (SIFT: "Deleterious"; PolyPhen-2: "Benign"; Align-GVGD: "Class C65"). In summary, the available evidence is currently insufficient to determine the role of this variant in disease. Therefore, it has been classified as a Variant of Uncertain Significance.